The following is an entry in ClinVar:

NM_033305.3(VPS13A):c.5917G>A (p.Val1973Ile)

Gene: VPS13A (vacuolar protein sorting 13 homolog A; plus strand). Cytogenetic location: 9q21.2.
Variant type: single nucleotide variant.
Coding change: c.5917G>A on transcript NM_033305.3 (MANE Select); coding-DNA position 5917, G replaced by A.
Protein change: p.Val1973Ile; replaces valine 1973 with isoleucine.
Molecular consequence: missense variant.
Genome position (GRCh38, 1-based): chr9:77,323,153, G>A. VCF-style: chr9-77323153-G-A. GRCh37 (hg19) VCF-style: chr9-79938069-G-A.
Other names: p.Val1973Ile; c.5800G>A, p.Val1934Ile (NM_001018037.2); c.5917G>A, p.Val1973Ile (NM_001018038.3, NM_015186.4); short protein forms V1973I, V1934I.
Identifiers: ClinVar variation 586931 (VCV000586931.55), dbSNP rs41289969, ClinGen allele CA5092888.

ClinVar aggregate classification (germline): Benign/Likely benign. Review status: criteria provided, multiple submitters, no conflicts (2 of 4 stars). 9 submissions from 9 submitters: Benign (6); Likely benign (2). 1 of the submissions does not count toward it. Last evaluated 2026-08-01.

Conditions:
VPS13A-related neurodegenerative disease. Also called: Chorea-acanthocytosis; Choreaacanthocytosis; VPS13A Disease; Choreoacanthocytosis; LEVINE-CRITCHLEY SYNDROME; ACANTHOCYTOSIS WITH NEUROLOGIC DISORDER. Identifiers: Orphanet 2388, MedGen C0393576, MONDO:0008695, OMIM 200150.

Allele frequency attached by ClinVar (database versions not stated): 1000 Genomes Project 0.00619; 1000 Genomes Project 30x 0.00687; ExAC 0.00932; gnomAD 0.00932 and 0.00944; gnomAD exomes 0.00932; TOPMed 0.01017; ESP Exome Variant Server 0.01223.
gnomAD v4.1: 18,370 of 1,613,484 alleles (1.1%); highest among the groups gnomAD compares: Middle Eastern, 4.9%; 127 homozygotes.

Submissions (9):

CeGaT Center for Human Genetics Tuebingen
Classification: Benign. Last evaluated: 2026-08-01. Review status: criteria provided, single submitter. Criteria: CeGaT Center For Human Genetics Tuebingen Variant Classification Criteria Version 2. Collection method: clinical testing. Allele origin: germline. Affected: yes. Observed: 41 variant alleles.
Comment: VPS13A: BP4, BS1, BS2

Labcorp Genetics (formerly Invitae), Labcorp
Classification: Benign. Last evaluated: 2026-02-03. Review status: criteria provided, single submitter. Criteria: Invitae Variant Classification Sherloc (09022015). Collection method: clinical testing. Allele origin: germline.

Blueprint Genetics
Classification: Likely benign. Last evaluated: 2024-11-26. Review status: criteria provided, single submitter. Criteria: ACMG Guidelines, 2015. Collection method: clinical testing. Allele origin: germline.

Athena Diagnostics
Classification: Benign. Last evaluated: 2024-02-01. Review status: criteria provided, single submitter. Criteria: Athena Diagnostics Criteria. Collection method: clinical testing. Allele origin: unknown.

Mayo Clinic Laboratories, Mayo Clinic
Classification: Benign. Last evaluated: 2023-05-26. Review status: criteria provided, single submitter. Criteria: ACMG Guidelines, 2015. Collection method: clinical testing. Allele origin: germline. Observed: 12 variant alleles.
Comment: BS1, BS2, BP4

GeneDx
Classification: Benign. Last evaluated: 2020-12-01. Review status: criteria provided, single submitter. Criteria: GeneDx Variant Classification Process June 2021. Collection method: clinical testing. Allele origin: germline. Affected: yes.

Illumina Laboratory Services, Illumina
Classification: Benign for VPS13A-related neurodegenerative disease. Last evaluated: 2018-01-13. Review status: criteria provided, single submitter. Criteria: ICSL Variant Classification Criteria 13 December 2019. Collection method: clinical testing. Allele origin: germline.
Comment: This variant was observed in the ICSL laboratory as part of a predisposition screen in an ostensibly healthy population. It had not been previously curated by ICSL or reported in the Human Gene Mutation Database (HGMD: prior to June 1st, 2018), and was therefore a candidate for classification through an automated scoring system. Utilizing variant allele frequency, disease prevalence and penetrance estimates, and inheritance mode, an automated score was calculated to assess if this variant is too frequent to cause the disease. Based on the score and internal cut-off values, a variant classified as benign is not then subjected to further curation. The score for this variant resulted in a classification of benign for this disease.

Breakthrough Genomics
Classification: Likely benign. Review status: criteria provided, single submitter. Criteria: ACMG Guidelines, 2015. Collection method: not provided. Allele origin: germline. Inheritance: Autosomal recessive inheritance. Affected: yes.

Natera, Inc.
Classification: Benign for Choreaacanthocytosis. Last evaluated: 2019-11-27. Review status: no assertion criteria provided. Collection method: clinical testing. Allele origin: germline. Not counted in ClinVar's aggregate classification.

Literature cited by the submitters: PubMed 33305042 (cited by Athena Diagnostics); PubMed 12404112 (cited by Athena Diagnostics).